The following is an entry in ClinVar:

ClinVar aggregate classification (germline): Pathogenic (1 of 4 stars; one submission).

Conditions:
Deficiency of steroid 11-beta-monooxygenase (CYP11B1). Also called: ADRENAL HYPERPLASIA, CONGENITAL, DUE TO STEROID 11-BETA-HYDROXYLASE DEFICIENCY; 11-BETA-HYDROXYLASE DEFICIENCY; ADRENAL HYPERPLASIA IV; P450C11B1 DEFICIENCY; STEROID 11-BETA-HYDROXYLASE DEFICIENCY; Congenital adrenal hyperplasia due to 11-beta-hydroxylase deficiency. Identifiers: Orphanet 90795, MedGen C0268292, MONDO:0008729, OMIM 202010. Disease mechanism: loss of function.

Submission:

Myriad Genetics, Inc.
Classification: Pathogenic for Deficiency of steroid 11-beta-monooxygenase. Last evaluated: 2025-09-01. Review status: criteria provided, single submitter. Criteria: Myriad Autosomal Dominant, Autosomal Recessive and X-Linked Classification Criteria (2023). Collection method: clinical testing. Allele origin: unknown.
Comment: NM_000497.3(CYP11B1):c.453delC(N152Tfs*21) is expected to be pathogenic in the context of congenital adrenal hyperplasia, CYP11B1-related. This variant is predicted to lead to an abnormal or absent protein product due to the creation of a premature termination codon in CYP11B1, a gene where loss-of-function variants are known to be pathogenic. Please note: this variant was assessed in the context of healthy population screening.

NM_000497.4(CYP11B1):c.453del (p.Asn152fs)

Genes: CYP11B1 (cytochrome P450 family 11 subfamily B member 1; minus strand), LOC106799833 (CYP11B1 recombination region; plus strand). Cytogenetic location: 8q24.3.
Variant type: Deletion.
Coding change: c.453del on transcript NM_000497.4 (MANE Select); coding-DNA position 453, one base deleted (C; older notation c.453delC).
Protein change: p.Asn152fs; shifts the reading frame from asparagine 152.
Molecular consequence: frameshift variant.
Genome position (GRCh38, 1-based): chr8:142,877,165, G deleted on the plus strand (C on the coding strand, the reverse complement: CYP11B1 is on the minus strand); the first of 3 consecutive G bases (chr8:142,877,165-142,877,167); deleting any one gives the same sequence. VCF-style (leftmost placement, unchanged base first): chr8-142877164-TG-T. GRCh37 (hg19) VCF-style: chr8-143958580-TG-T.
Other names: c.453del, p.Asn152fs (NM_001026213.1); short protein forms N152fs.
Identifiers: ClinVar variation 5014931 (VCV005014931.1).